The following is an entry in ClinVar:

NM_153026.3(PRICKLE1):c.977G>A (p.Arg326Gln)

Genes: PRICKLE1 (prickle planar cell polarity protein 1; minus strand), LOC126861509 (BRD4-independent group 4 enhancer GRCh37_chr12:42858567-42859766; plus strand). Cytogenetic location: 12q12.
Variant type: single nucleotide variant.
Coding change: c.977G>A on transcript NM_153026.3 (MANE Select); coding-DNA position 977, G replaced by A.
Protein change: p.Arg326Gln; replaces arginine 326 with glutamine.
Molecular consequence: missense variant.
Genome position (GRCh38, 1-based): chr12:42,465,057, C>T on the plus strand (G>A on the coding strand, the complement: PRICKLE1 is on the minus strand). VCF-style: chr12-42465057-C-T. GRCh37 (hg19) VCF-style: chr12-42858859-C-T.
Other names: c.977G>A, p.Arg326Gln (NM_001144881.2, NM_001144882.2, NM_001144883.2); short protein forms R326Q.
Identifiers: ClinVar variation 856032 (VCV000856032.9), dbSNP rs752116352, ClinGen allele CA6519812.
Genomic context (GRCh38, chr12:42,465,057, plus strand): 5'-CACTGATCTGCTGACCGGCTGCTCTTGCCCATTCGGACACTTCTTCGGGAGTCTCTTGAT[C>T]GAGCTGACTGAAATGCAGAGTCGGAAGAATCAGAGGCATGGACGTCTTCACCAAGACTGC-3'
Protein context (NP_694571.2, residues 316-336): DSSDSAFQSA[Arg326Gln]SRDSRRSVRM

ClinVar aggregate classification (germline): Uncertain significance (1 of 4 stars; one submission).

Conditions:
Epilepsy, progressive myoclonic, 1B. Also called: PME. Identifiers: Orphanet 308, MedGen C2676254, MONDO:0012904, OMIM 612437.

Allele frequency attached by ClinVar (database versions not stated): TOPMed below 0.00001; ExAC 0.00003; gnomAD 0.00003; gnomAD exomes 0.00006.
gnomAD v4.1: 27 of 1,577,482 alleles (0.0017%); highest among the groups gnomAD compares: East Asian, 0.0067%; no homozygotes.

Submission:

Labcorp Genetics (formerly Invitae), Labcorp
Classification: Uncertain significance for Epilepsy, progressive myoclonic, 1B. Last evaluated: 2024-05-21. Review status: criteria provided, single submitter. Criteria: Invitae Variant Classification Sherloc (09022015). Collection method: clinical testing. Allele origin: germline.
Comment: This sequence change replaces arginine, which is basic and polar, with glutamine, which is neutral and polar, at codon 326 of the PRICKLE1 protein (p.Arg326Gln). This variant is present in population databases (rs752116352, gnomAD 0.05%). This variant has not been reported in the literature in individuals affected with PRICKLE1-related conditions. ClinVar contains an entry for this variant (Variation ID: 856032). Advanced modeling of protein sequence and biophysical properties (such as structural, functional, and spatial information, amino acid conservation, physicochemical variation, residue mobility, and thermodynamic stability) has been performed at Invitae for this missense variant, however the output from this modeling did not meet the statistical confidence thresholds required to predict the impact of this variant on PRICKLE1 protein function. In summary, the available evidence is currently insufficient to determine the role of this variant in disease. Therefore, it has been classified as a Variant of Uncertain Significance.